The following is an entry in ClinVar:

ClinVar aggregate classification (germline): Uncertain significance (1 of 4 stars; one submission).

Conditions:
Autosomal recessive limb-girdle muscular dystrophy type 2U. Also called: MUSCULAR DYSTROPHY, LIMB-GIRDLE, TYPE 2U; Muscular dystrophy-dystroglycanopathy (limb-girdle), type c, 7. Identifiers: Orphanet 352479, MedGen C5190987, MONDO:0014474, OMIM 616052.
Muscular dystrophy-dystroglycanopathy (congenital with brain and eye anomalies), type A, 7. Also called: WALKER-WARBURG SYNDROME OR MUSCLE-EYE-BRAIN DISEASE, ISPD-RELATED; Congenital muscular dystrophy-dystroglycanopathy with brain and eye anomalies, type A7. Identifiers: Orphanet 899, MedGen C3553330, MONDO:0013835, OMIM 614643.

Allele frequency attached by ClinVar (database versions not stated): gnomAD 0.00001; gnomAD exomes 0.00001; ExAC 0.00002.
gnomAD v4.1: 17 of 1,573,892 alleles (0.0011%); highest among the groups gnomAD compares: Non-Finnish European, 0.0015%; no homozygotes.

Submission:

Labcorp Genetics (formerly Invitae), Labcorp
Classification: Uncertain significance for Muscular dystrophy-dystroglycanopathy (congenital with brain and eye anomalies), type A, 7; Autosomal recessive limb-girdle muscular dystrophy type 2U. Last evaluated: 2022-06-10. Review status: criteria provided, single submitter. Criteria: Invitae Variant Classification Sherloc (09022015). Collection method: clinical testing. Allele origin: germline.
Comment: This sequence change replaces leucine, which is neutral and non-polar, with proline, which is neutral and non-polar, at codon 302 of the ISPD protein (p.Leu302Pro). The frequency data for this variant in the population databases is considered unreliable, as metrics indicate poor data quality at this position in the gnomAD database. This variant has not been reported in the literature in individuals affected with ISPD-related conditions. ClinVar contains an entry for this variant (Variation ID: 1055296). Algorithms developed to predict the effect of missense changes on protein structure and function are either unavailable or do not agree on the potential impact of this missense change (SIFT: "Deleterious"; PolyPhen-2: "Probably Damaging"; Align-GVGD: "Class C0"). In summary, the available evidence is currently insufficient to determine the role of this variant in disease. Therefore, it has been classified as a Variant of Uncertain Significance.

NM_001101426.4(CRPPA):c.905T>C (p.Leu302Pro)

Gene: CRPPA (CDP-L-ribitol pyrophosphorylase A; minus strand). Cytogenetic location: 7p21.2.
Variant type: single nucleotide variant.
Coding change: c.905T>C on transcript NM_001101426.4 (MANE Select); coding-DNA position 905, T replaced by C.
Protein change: p.Leu302Pro; replaces leucine 302 with proline.
Molecular consequence: missense variant. On other transcripts: non-coding transcript variant (1).
Genome position (GRCh38, 1-based): chr7:16,278,157, A>G on the plus strand (T>C on the coding strand, the complement: CRPPA is on the minus strand). VCF-style: chr7-16278157-A-G. GRCh37 (hg19) VCF-style: chr7-16317782-A-G.
Other names: c.755T>C, p.Leu252Pro (NM_001101417.4); c.800T>C, p.Leu267Pro (NM_001368197.1); short protein forms L252P, L267P, L302P.
Identifiers: ClinVar variation 1055296 (VCV001055296.6), dbSNP rs747622460, ClinGen allele CA4169455.
Genomic context (GRCh38, chr7:16,278,157, plus strand): 5'-AAGTTTATCAAACTCAGTCTTTGAATACTTACATTTAATTCACTTTTCAGCACTTCTTCA[A>G]GAAGATGACCTACATGTTTGTTATCTTCTTCTGTATCCATAACTACACAAATCTCTTGGG-3'
Protein context (NP_001094896.1, residues 292-312): EEDNKHVGHL[Leu302Pro]EEVLKSELNH